The following is an entry in ClinVar:

NM_006766.5(KAT6A):c.3484C>T (p.His1162Tyr)

Gene: KAT6A (lysine acetyltransferase 6A; minus strand). Cytogenetic location: 8p11.21.
Variant type: single nucleotide variant.
Coding change: c.3484C>T on transcript NM_006766.5 (MANE Select); coding-DNA position 3484, C replaced by T.
Protein change: p.His1162Tyr; replaces histidine 1162 with tyrosine.
Molecular consequence: missense variant.
Genome position (GRCh38, 1-based): chr8:41,934,736, G>A on the plus strand (C>T on the coding strand, the complement: KAT6A is on the minus strand). VCF-style: chr8-41934736-G-A. GRCh37 (hg19) VCF-style: chr8-41792254-G-A.
Other names: short protein forms H1162Y.
Identifiers: ClinVar variation 4747342 (VCV004747342.1).

ClinVar aggregate classification (germline): Uncertain significance (1 of 4 stars; one submission).

Submission:

Labcorp Genetics (formerly Invitae), Labcorp
Classification: Uncertain significance. Last evaluated: 2025-04-23. Review status: criteria provided, single submitter. Criteria: Invitae Variant Classification Sherloc (09022015). Collection method: clinical testing. Allele origin: germline.
Comment: This sequence change replaces histidine, which is basic and polar, with tyrosine, which is neutral and polar, at codon 1162 of the KAT6A protein (p.His1162Tyr). This variant is not present in population databases (gnomAD no frequency). This variant has not been reported in the literature in individuals affected with KAT6A-related conditions. Invitae Evidence Modeling of protein sequence and biophysical properties (such as structural, functional, and spatial information, amino acid conservation, physicochemical variation, residue mobility, and thermodynamic stability) indicates that this missense variant is not expected to disrupt KAT6A protein function with a negative predictive value of 95%. In summary, the available evidence is currently insufficient to determine the role of this variant in disease. Therefore, it has been classified as a Variant of Uncertain Significance.